The following is an entry in ClinVar:

ClinVar aggregate classification (germline): Uncertain significance (1 of 4 stars; one submission).

Submission:

Labcorp Genetics (formerly Invitae), Labcorp
Classification: Uncertain significance. Last evaluated: 2025-12-21. Review status: criteria provided, single submitter. Criteria: Invitae Variant Classification Sherloc (09022015). Collection method: clinical testing. Allele origin: germline.
Comment: This variant, c.1468_1470del, results in the deletion of 1 amino acid(s) of the PDE6B protein (p.Lys490del), but otherwise preserves the integrity of the reading frame. This variant is present in population databases (rs764601732, gnomAD 0.006%). This variant has not been reported in the literature in individuals affected with PDE6B-related conditions. ClinVar contains an entry for this variant (Variation ID: 835410). Experimental studies and prediction algorithms are not available or were not evaluated, and the functional significance of this variant is currently unknown. Algorithms developed to predict the effect of sequence changes on RNA splicing suggest that this variant may disrupt the consensus splice site. In summary, the available evidence is currently insufficient to determine the role of this variant in disease. Therefore, it has been classified as a Variant of Uncertain Significance.

NC_000004.12:g.660467_660469del

Gene: PDE6B (phosphodiesterase 6B; plus strand). Cytogenetic location: 4p16.3.
Variant type: Deletion.
Genome position: GRCh38 VCF-style: chr4-660464-CAGA-C. GRCh37 (hg19) VCF-style: chr4-654253-CAGA-C.
Identifiers: ClinVar variation 835410 (VCV000835410.11), dbSNP rs764601732, ClinGen allele CA2794552.